The following is an entry in ClinVar:

NM_181486.4(TBX5):c.242+5G>A

Gene: TBX5 (T-box transcription factor 5; minus strand). Cytogenetic location: 12q24.21.
Variant type: single nucleotide variant.
Coding change: c.242+5G>A on transcript NM_181486.4 (MANE Select); 5 bases into the intron after coding-DNA position 242, G replaced by A.
Molecular consequence: intron variant.
Genome position (GRCh38, 1-based): chr12:114,401,821, C>T on the plus strand (G>A on the coding strand, the complement: TBX5 is on the minus strand). VCF-style: chr12-114401821-C-T. GRCh37 (hg19) VCF-style: chr12-114839626-C-T.
Other names: c.92+5G>A (NM_080717.4); c.242+5G>A (NM_000192.3).
Identifiers: ClinVar variation 633721 (VCV000633721.3), dbSNP rs1555226575, ClinGen allele CA913191206.

ClinVar aggregate classification (germline): Likely pathogenic. Review status: criteria provided, single submitter (1 of 4 stars). 2 submissions from 2 submitters: Likely pathogenic (1). 1 of the submissions does not count toward it. Last evaluated 2024-05-14.

Conditions:
Holt-Oram syndrome (HOS). Also called: Ventriculo-radial syndrome; Cardiac-limb syndrome; Heart-hand syndrome, type 1; TBX5-Related Holt-Oram Syndrome. Identifiers: Orphanet 392, MedGen C0265264, MONDO:0007732, OMIM 142900.

Submissions (2):

GeneDx
Classification: Likely pathogenic. Last evaluated: 2024-05-14. Review status: criteria provided, single submitter. Criteria: GeneDx Variant Classification Process June 2021. Collection method: clinical testing. Allele origin: germline. Affected: yes.
Comment: Observed in a cohort of patients with clinical features of Holt-Oram syndrome who underwent sequencing of the TBX5 gene; however patient specific details for this variant were not specified in this report (PMID: 30552424); Intronic variant directly or indirectly altering the +5 splice site in a gene for which loss of function is a known mechanism of disease, and splice predictors support a deleterious effect; Not observed at significant frequency in large population cohorts (gnomAD); This variant is associated with the following publications: (PMID: 30552424)

Centre de Biologie Pathologie Génétique, Centre Hospitalier Universitaire de Lille
Classification: Likely pathogenic for Holt-Oram syndrome. Last evaluated: 2018-06-14. Review status: no assertion criteria provided. Collection method: clinical testing. Allele origin: unknown. Affected: yes. Not counted in ClinVar's aggregate classification.